The following is an entry in ClinVar:

ClinVar aggregate classification (germline): Likely benign. Review status: criteria provided, single submitter (1 of 4 stars). 2 submissions from 2 submitters: Likely benign (1). 1 of the submissions does not count toward it. Last evaluated 2023-12-29.

Conditions:
COL27A1-related disorder. Also called: COL27A1-related condition.

Allele frequency attached by ClinVar (database versions not stated): ExAC 0.00001; TOPMed 0.00001.
gnomAD v4.1: 10 of 1,614,092 alleles (0.00062%); highest among the groups gnomAD compares: Middle Eastern, 0.017%; no homozygotes.

Submissions (2):

Labcorp Genetics (formerly Invitae), Labcorp
Classification: Likely benign. Last evaluated: 2023-12-29. Review status: criteria provided, single submitter. Criteria: Invitae Variant Classification Sherloc (09022015). Collection method: clinical testing. Allele origin: germline.

PreventionGenetics, part of Exact Sciences
Classification: Likely benign for COL27A1-related condition. Last evaluated: 2019-06-27. Review status: no assertion criteria provided. Collection method: clinical testing. Allele origin: germline. Not counted in ClinVar's aggregate classification.
Comment: This variant is classified as likely benign based on ACMG/AMP sequence variant interpretation guidelines (Richards et al. 2015 PMID: 25741868, with internal and published modifications).

NM_032888.4(COL27A1):c.1365C>A (p.Pro455=)

Gene: COL27A1 (collagen type XXVII alpha 1 chain; plus strand). Cytogenetic location: 9q32.
Variant type: single nucleotide variant.
Coding change: c.1365C>A on transcript NM_032888.4 (MANE Select); coding-DNA position 1365, C replaced by A.
Protein change: p.Pro455=; no amino-acid change (proline 455 retained).
Molecular consequence: synonymous variant.
Genome position (GRCh38, 1-based): chr9:114,168,920, C>A. VCF-style: chr9-114168920-C-A. GRCh37 (hg19) VCF-style: chr9-116931200-C-A.
Other names: c.1365C>A (NM_032888.3).
Identifiers: ClinVar variation 1109247 (VCV001109247.9), dbSNP rs751335161, ClinGen allele CA5201364.